The following is an entry in ClinVar:

NM_001378457.1(DMXL2):c.5581A>G (p.Thr1861Ala)

Gene: DMXL2 (Dmx like 2; minus strand). Cytogenetic location: 15q21.2.
Variant type: single nucleotide variant.
Coding change: c.5581A>G on transcript NM_001378457.1 (MANE Select); coding-DNA position 5581, A replaced by G.
Protein change: p.Thr1861Ala; replaces threonine 1861 with alanine.
Molecular consequence: missense variant. On other transcripts: non-coding transcript variant (2).
Genome position (GRCh38, 1-based): chr15:51,481,525, T>C on the plus strand (A>G on the coding strand, the complement: DMXL2 is on the minus strand). VCF-style: chr15-51481525-T-C. GRCh37 (hg19) VCF-style: chr15-51773722-T-C.
Other names: c.5581A>G, p.Thr1861Ala (NM_001174116.3, NM_001378458.1, NM_001378459.1 and 4 more transcripts); c.3673A>G, p.Thr1225Ala (NM_001174117.3); c.3562A>G, p.Thr1188Ala (NM_001378460.1); c.5341A>G, p.Thr1781Ala (NM_001378464.1); c.5581A>G (NM_001174116.1); short protein forms T1188A, T1225A, T1861A, T1781A.
Identifiers: ClinVar variation 2975718 (VCV002975718.4), dbSNP rs577849075, ClinGen allele CA7561772.
Genomic context (GRCh38, chr15:51,481,525, plus strand): 5'-CTATGAGGTTAATTTTATCAACAAAGTTCTTCTCAGTTTTGAGACCTAAGGTTGCCAAAG[T>C]TCCTTCAGGGGAGGCAAGATTTCTTCGAATGAGCAAAGGATGAGTTCGAAGGTAGTTATA-3'
Protein context (NP_001365386.1, residues 1851-1871): IRRNLASPEG[Thr1861Ala]LATLGLKTEK

ClinVar aggregate classification (germline): Uncertain significance. Review status: criteria provided, multiple submitters, no conflicts (2 of 4 stars). 3 submissions from 3 submitters: Uncertain significance (3). Last evaluated 2024-10-04.

Conditions:
Inborn genetic diseases. Identifiers: MedGen C0950123, MeSH D030342.

Allele frequency attached by ClinVar (database versions not stated): gnomAD 0.00001; gnomAD exomes 0.00001; ExAC 0.00004.
gnomAD v4.1: 20 of 1,613,280 alleles (0.0012%); highest among the groups gnomAD compares: South Asian, 0.02%; no homozygotes.

Submissions (3):

Ambry Genetics
Classification: Uncertain significance for Inborn genetic diseases. Last evaluated: 2024-10-04. Review status: criteria provided, single submitter. Criteria: Ambry Variant Classification Scheme 2023. Collection method: clinical testing. Allele origin: germline.

Labcorp Genetics (formerly Invitae), Labcorp
Classification: Uncertain significance. Last evaluated: 2023-09-05. Review status: criteria provided, single submitter. Criteria: Invitae Variant Classification Sherloc (09022015). Collection method: clinical testing. Allele origin: germline.
Comment: Algorithms developed to predict the effect of missense changes on protein structure and function output the following: SIFT: "Not Available"; PolyPhen-2: "Benign"; Align-GVGD: "Not Available". The alanine amino acid residue is found in multiple mammalian species, which suggests that this missense change does not adversely affect protein function. This variant has not been reported in the literature in individuals affected with DMXL2-related conditions. This variant is present in population databases (rs577849075, gnomAD 0.03%). This sequence change replaces threonine, which is neutral and polar, with alanine, which is neutral and non-polar, at codon 1861 of the DMXL2 protein (p.Thr1861Ala). In summary, the available evidence is currently insufficient to determine the role of this variant in disease. Therefore, it has been classified as a Variant of Uncertain Significance.

Breakthrough Genomics
Classification: Uncertain significance. Review status: criteria provided, single submitter. Criteria: ACMG Guidelines, 2015. Collection method: not provided. Allele origin: germline. Inheritance: Autosomal recessive inheritance. Affected: yes.